The following is an entry in ClinVar:

NM_002500.5(NEUROD1):c.99G>T (p.Glu33Asp)

Gene: NEUROD1 (neuronal differentiation 1; minus strand). Cytogenetic location: 2q31.3.
Variant type: single nucleotide variant.
Coding change: c.99G>T on transcript NM_002500.5 (MANE Select); coding-DNA position 99, G replaced by T.
Protein change: p.Glu33Asp; replaces glutamic acid 33 with aspartic acid.
Molecular consequence: missense variant.
Genome position (GRCh38, 1-based): chr2:181,678,762, C>A on the plus strand (G>T on the coding strand, the complement: NEUROD1 is on the minus strand). VCF-style: chr2-181678762-C-A. GRCh37 (hg19) VCF-style: chr2-182543489-C-A.
Other names: short protein forms E33D.
Identifiers: ClinVar variation 4743754 (VCV004743754.1).

ClinVar aggregate classification (germline): Uncertain significance (1 of 4 stars; one submission).

Submission:

Labcorp Genetics (formerly Invitae), Labcorp
Classification: Uncertain significance. Last evaluated: 2025-09-01. Review status: criteria provided, single submitter. Criteria: Invitae Variant Classification Sherloc (09022015). Collection method: clinical testing. Allele origin: germline.
Comment: This sequence change replaces glutamic acid, which is acidic and polar, with aspartic acid, which is acidic and polar, at codon 33 of the NEUROD1 protein (p.Glu33Asp). This variant is not present in population databases (gnomAD no frequency). This variant has not been reported in the literature in individuals affected with NEUROD1-related conditions. Invitae Evidence Modeling of protein sequence and biophysical properties (such as structural, functional, and spatial information, amino acid conservation, physicochemical variation, residue mobility, and thermodynamic stability) indicates that this missense variant is not expected to disrupt NEUROD1 protein function with a negative predictive value of 80%. In summary, the available evidence is currently insufficient to determine the role of this variant in disease. Therefore, it has been classified as a Variant of Uncertain Significance.